The following is an entry in ClinVar:

ClinVar aggregate classification (germline): Likely pathogenic (1 of 4 stars; one submission).

Conditions:
Mucolipidosis type IV (ML4). Also called: ML IV. Identifiers: Orphanet 578, MedGen C0238286, MONDO:0009653, OMIM 252650.

Submission:

Labcorp Genetics (formerly Invitae), Labcorp
Classification: Likely pathogenic for Mucolipidosis type IV. Last evaluated: 2021-12-18. Review status: criteria provided, single submitter. Criteria: Invitae Variant Classification Sherloc (09022015). Collection method: clinical testing. Allele origin: germline.
Comment: This sequence change affects an acceptor splice site in intron 11 of the MCOLN1 gene. It is expected to disrupt RNA splicing. Variants that disrupt the donor or acceptor splice site typically lead to a loss of protein function (PMID: 16199547), and loss-of-function variants in MCOLN1 are known to be pathogenic (PMID: 11030752, 11317355). This variant is not present in population databases (gnomAD no frequency). This variant has not been reported in the literature in individuals affected with MCOLN1-related conditions. Algorithms developed to predict the effect of sequence changes on RNA splicing suggest that this variant may disrupt the consensus splice site. In summary, the currently available evidence indicates that the variant is pathogenic, but additional data are needed to prove that conclusively. Therefore, this variant has been classified as Likely Pathogenic.

Literature cited by the submitters: PubMed 16199547; PubMed 11030752; PubMed 11317355.

NM_020533.3(MCOLN1):c.1360-1G>T

Gene: MCOLN1 (mucolipin TRP cation channel 1; plus strand). Cytogenetic location: 19p13.2.
Variant type: single nucleotide variant.
Coding change: c.1360-1G>T on transcript NM_020533.3 (MANE Select); the canonical splice acceptor site of the intron before coding-DNA position 1360, G replaced by T.
Molecular consequence: splice acceptor variant.
Genome position (GRCh38, 1-based): chr19:7,530,285, G>T. VCF-style: chr19-7530285-G-T. GRCh37 (hg19) VCF-style: chr19-7595171-G-T.
Identifiers: ClinVar variation 2046862 (VCV002046862.4), dbSNP rs2512474273, ClinGen allele CA403089013.